The following is an entry in ClinVar:

NM_144670.6(A2ML1):c.2309C>T (p.Thr770Ile)

Gene: A2ML1 (alpha-2-macroglobulin like 1; plus strand). Cytogenetic location: 12p13.31.
Variant type: single nucleotide variant.
Coding change: c.2309C>T on transcript NM_144670.6 (MANE Select); coding-DNA position 2309, C replaced by T.
Protein change: p.Thr770Ile; replaces threonine 770 with isoleucine.
Molecular consequence: missense variant.
Genome position (GRCh38, 1-based): chr12:8,851,858, C>T. VCF-style: chr12-8851858-C-T. GRCh37 (hg19) VCF-style: chr12-9004454-C-T.
Other names: c.836C>T, p.Thr279Ile (NM_001282424.3); short protein forms T279I, T770I.
Identifiers: ClinVar variation 3648309 (VCV003648309.2).

ClinVar aggregate classification (germline): Uncertain significance (1 of 4 stars; one submission).

gnomAD v4.1: 1 of 1,614,228 alleles (0.000062%); highest among the groups gnomAD compares: Non-Finnish European, 0.000085%; no homozygotes.

Submission:

Labcorp Genetics (formerly Invitae), Labcorp
Classification: Uncertain significance. Last evaluated: 2024-04-07. Review status: criteria provided, single submitter. Criteria: Invitae Variant Classification Sherloc (09022015). Collection method: clinical testing. Allele origin: germline.
Comment: This sequence change replaces threonine, which is neutral and polar, with isoleucine, which is neutral and non-polar, at codon 770 of the A2ML1 protein (p.Thr770Ile). This variant is not present in population databases (gnomAD no frequency). This variant has not been reported in the literature in individuals affected with A2ML1-related conditions. Algorithms developed to predict the effect of missense changes on protein structure and function output the following: SIFT: "Not Available"; PolyPhen-2: "Benign"; Align-GVGD: "Not Available". The isoleucine amino acid residue is found in multiple mammalian species, which suggests that this missense change does not adversely affect protein function. In summary, the available evidence is currently insufficient to determine the role of this variant in disease. Therefore, it has been classified as a Variant of Uncertain Significance.